The following is an entry in ClinVar:

NM_001165963.4(SCN1A):c.1339A>G (p.Met447Val)

Gene: SCN1A (sodium voltage-gated channel alpha subunit 1; minus strand). Cytogenetic location: 2q24.3.
Variant type: single nucleotide variant.
Coding change: c.1339A>G on transcript NM_001165963.4 (MANE Select); coding-DNA position 1339, A replaced by G.
Protein change: p.Met447Val; replaces methionine 447 with valine.
Molecular consequence: missense variant. On other transcripts: 5 prime UTR variant (1), non-coding transcript variant (1).
Genome position (GRCh38, 1-based): chr2:166,046,808, T>C on the plus strand (A>G on the coding strand, the complement: SCN1A is on the minus strand). VCF-style: chr2-166046808-T-C. GRCh37 (hg19) VCF-style: chr2-166903318-T-C.
Other names: p.M447V:ATG>GTG; c.1339A>G, p.Met447Val (NM_001165964.3, NM_001202435.3, NM_001353948.2 and 10 more transcripts); c.-1087A>G (NM_001353961.2); short protein forms M447V.
Identifiers: ClinVar variation 206765 (VCV000206765.11), dbSNP rs777596738, ClinGen allele CA317225.

ClinVar aggregate classification (germline): Uncertain significance. Review status: criteria provided, multiple submitters, no conflicts (2 of 4 stars). 4 submissions from 4 submitters: Uncertain significance (4). Last evaluated 2026-06-23.

Conditions:
Early-infantile DEE. Also called: Ohtahara syndrome; Early infantile epileptic encephalopathy with suppression bursts; Early infantile epileptic encephalopathy. Identifiers: Orphanet 1934, MedGen C0393706, MONDO:0800491.
Inborn genetic diseases. Identifiers: MedGen C0950123, MeSH D030342.

Allele frequency attached by ClinVar (database versions not stated): gnomAD 0.00001 and below 0.00001; gnomAD exomes 0.00001; ExAC 0.00002.
gnomAD v4.1: 15 of 1,613,716 alleles (0.00093%); highest among the groups gnomAD compares: South Asian, 0.016%; no homozygotes.

Submissions (4):

Ambry Genetics
Classification: Uncertain significance for Inborn genetic diseases. Last evaluated: 2026-06-23. Review status: criteria provided, single submitter. Criteria: Ambry Variant Classification Scheme 2023. Collection method: clinical testing. Allele origin: germline.
Comment: The c.1339A>G (p.M447V) alteration is located in exon 9 (coding exon 9) of the SCN1A gene. This alteration results from a A to G substitution at nucleotide position 1339, causing the methionine (M) at amino acid position 447 to be replaced by a valine (V). Based on data from gnomAD, the G allele has an overall frequency of 0.001% (3/251146) total alleles studied. The highest observed frequency was 0.01% (3/30612) of South Asian alleles. Based on insufficient or conflicting evidence, the clinical significance of this alteration remains unclear.

GeneDx
Classification: Uncertain significance. Last evaluated: 2024-11-12. Review status: criteria provided, single submitter. Criteria: GeneDx Variant Classification Process June 2021. Collection method: clinical testing. Allele origin: germline. Affected: yes.
Comment: In silico analysis supports that this missense variant has a deleterious effect on protein structure/function; Has not been previously published as pathogenic or benign to our knowledge; In silico analysis suggests this variant may impact gene splicing. In the absence of RNA/functional studies, the actual effect of this sequence change is unknown.; This substitution is predicted to be within the cytoplasmic loop between the first and second homologous domains

Labcorp Genetics (formerly Invitae), Labcorp
Classification: Uncertain significance for Early-infantile DEE. Last evaluated: 2024-04-27. Review status: criteria provided, single submitter. Criteria: Invitae Variant Classification Sherloc (09022015). Collection method: clinical testing. Allele origin: germline.
Comment: This sequence change replaces methionine, which is neutral and non-polar, with valine, which is neutral and non-polar, at codon 447 of the SCN1A protein (p.Met447Val). This variant is present in population databases (rs777596738, gnomAD 0.01%). This variant has not been reported in the literature in individuals affected with SCN1A-related conditions. ClinVar contains an entry for this variant (Variation ID: 206765). Advanced modeling of protein sequence and biophysical properties (such as structural, functional, and spatial information, amino acid conservation, physicochemical variation, residue mobility, and thermodynamic stability) performed at Invitae indicates that this missense variant is not expected to disrupt SCN1A protein function with a negative predictive value of 95%. Algorithms developed to predict the effect of sequence changes on RNA splicing suggest that this variant may create or strengthen a splice site. In summary, the available evidence is currently insufficient to determine the role of this variant in disease. Therefore, it has been classified as a Variant of Uncertain Significance.

Revvity Omics, Revvity
Classification: Uncertain significance. Last evaluated: 2019-07-02. Review status: criteria provided, single submitter. Criteria: ACMG Guidelines, 2015. Collection method: clinical testing. Allele origin: germline.